The following is an entry in ClinVar:

NM_032119.4(ADGRV1):c.1718G>T (p.Gly573Val)

Gene: ADGRV1 (adhesion G protein-coupled receptor V1; plus strand). Cytogenetic location: 5q14.3.
Variant type: single nucleotide variant.
Coding change: c.1718G>T on transcript NM_032119.4 (MANE Select); coding-DNA position 1718, G replaced by T.
Protein change: p.Gly573Val; replaces glycine 573 with valine.
Molecular consequence: missense variant. On other transcripts: non-coding transcript variant (1).
Genome position (GRCh38, 1-based): chr5:90,629,418, G>T. VCF-style: chr5-90629418-G-T. GRCh37 (hg19) VCF-style: chr5-89925235-G-T.
Other names: short protein forms G573V.
Identifiers: ClinVar variation 46290 (VCV000046290.91), dbSNP rs200789563, ClinGen allele CA138067.

ClinVar aggregate classification (germline): Conflicting classifications of pathogenicity. Review status: criteria provided, conflicting classifications (1 of 4 stars). 13 submissions from 13 submitters: Uncertain significance (7); Likely benign (2). 4 of the submissions do not count toward it. Last evaluated 2026-03-09.

Conditions:
Usher syndrome type 2. Also called: Usher Syndrome Type II. Identifiers: Orphanet 231178, MedGen C0339534, MONDO:0016484.
ADGRV1-related disorder. Also called: ADGRV1-related condition; ADGRV1-related disorders.
Idiopathic generalized epilepsy. Also called: EIG; Generalised epilepsy. Identifiers: MedGen C0270850, MONDO:0005579, OMIM 600669.
Usher syndrome type 2C. Also called: Usher syndrome, type 2B; USHER SYNDROME, TYPE IIC. Identifiers: Orphanet 231178, Orphanet 886, MedGen C2931213, MONDO:0011558, OMIM 605472.
Febrile seizures, familial, 4 (FEB4). Also called: CONVULSIONS, FAMILIAL FEBRILE, 4. Identifiers: MedGen C1858493, MONDO:0011443, OMIM 604352.

Allele frequency attached by ClinVar (database versions not stated): ESP Exome Variant Server 0.00017; ExAC 0.00018; TOPMed 0.00034; gnomAD 0.00036; 1000 Genomes Project 0.00040; 1000 Genomes Project 30x 0.00062.
gnomAD v4.1: 376 of 1,613,500 alleles (0.023%); highest among the groups gnomAD compares: Admixed American, 0.14%; no homozygotes.

Submissions (13):

PreventionGenetics, part of Exact Sciences
Classification: Uncertain significance for ADGRV1-related condition. Last evaluated: 2026-03-09. Review status: criteria provided, single submitter. Criteria: ACMG Guidelines, 2015. Collection method: clinical testing. Allele origin: germline.
Comment: The ADGRV1 c.1718G>T variant is predicted to result in the amino acid substitution p.Gly573Val. This variant was reported along with a second missense variant (c.9440G>A, p.Arg3147Gln) in three siblings with progressive hearing loss with unreported phase (Neveling et al. 2013. PubMed ID: 24123792), in a cohort of patients with inherited retinal disease (Table S2, Sharon et al. 2019. PubMed ID: 31456290), and in cis phase in one individual with epilepsy (Dahawi et al. 2021. PubMed ID: 34744978). Based on internal data, the c.1718G>T and c.9440G>A variants are frequently detected together, suggesting that they are often found in cis. This variant is reported in 0.12% of alleles in individuals of Latino descent in gnomAD. Although we suspect this variant may be benign, at this time, the clinical significance of this variant is uncertain due to the absence of conclusive functional and genetic evidence.

Labcorp Genetics (formerly Invitae), Labcorp
Classification: Likely benign. Last evaluated: 2026-01-21. Review status: criteria provided, single submitter. Criteria: Invitae Variant Classification Sherloc (09022015). Collection method: clinical testing. Allele origin: germline.

Women's Health and Genetics/Laboratory Corporation of America, LabCorp
Classification: Uncertain significance. Last evaluated: 2024-08-14. Review status: criteria provided, single submitter. Criteria: LabCorp Variant Classification Summary - May 2015. Collection method: clinical testing. Allele origin: germline.
Comment: Variant summary: ADGRV1 c.1718G>T (p.Gly573Val) results in a non-conservative amino acid change in the encoded protein sequence. Four of five in-silico tools predict a damaging effect of the variant on protein function. The variant allele was found at a frequency of 0.0003 in 249058 control chromosomes. This frequency is not significantly higher than estimated for a pathogenic variant in ADGRV1 causing Usher Syndrome (0.0003 vs 0.0054), allowing no conclusion about variant significance. c.1718G>T has been reported in the literature in individuals affected with Usher Syndrome, progressive hearing loss and epilepsy, often reported in cis with c.9440G>A (p.Arg3147Gln) (Neveling_2013, Sharon_2020, Dahawi_2021, Zhou_2022). These report(s) do not provide unequivocal conclusions about association of the variant with Usher Syndrome. To our knowledge, no experimental evidence demonstrating an impact on protein function has been reported. The following publications have been ascertained in the context of this evaluation (PMID: 34744978, 24123792, 31456290, 35813073). ClinVar contains an entry for this variant (Variation ID: 46290). Based on the evidence outlined above, the variant was classified as uncertain significance.

Blueprint Genetics
Classification: Likely benign. Last evaluated: 2024-08-09. Review status: criteria provided, single submitter. Criteria: ACMG Guidelines, 2015. Collection method: clinical testing. Allele origin: germline.

Laboratory for Molecular Medicine, Mass General Brigham Personalized Medicine
Classification: Uncertain significance. Last evaluated: 2020-06-04. Review status: criteria provided, single submitter. Criteria: LMM Criteria. Collection method: clinical testing. Allele origin: germline. Observed: 6 variant alleles.
Comment: The p.Gly573Val variant in ADGRV1 has been previously reported in 4 individuals with hearing loss (Neveling 2013, LMM data), all of whom also carried the p.Arg3147Gln variant of unknown significance in GPR98. The p.Gly573Val variant has also been reported in ClinVar (Variation ID # 46290) as of uncertain significance. The p.Gly573Val variant has been identified in 0.1% (41/35348) of Latino chromosomes at a similar frequency of the p.Arg3147Gln variant at 0.1% (42/35316) of Latino chromosomes by the Genome Aggregation Database (gnomAD; dbSNP rs200789563 and rs200792658). All information collectively suggests that these variants are in linkage disequilibrium and are likely in cis in all of the reported individuals. Although the p.Gly753Val variant has been seen in the general population, its frequency is not high enough to rule out a pathogenic role. Additionally, computational prediction tools and conservation analyses do not provide strong support for or against an impact to the protein. In summary, the clinical significance of this variant is uncertain. ACMG/AMP criteria applied: BS1_Supporting.

Eurofins Ntd Llc (ga)
Classification: Uncertain significance. Last evaluated: 2017-11-15. Review status: criteria provided, single submitter. Criteria: EGL Classification Definitions 2015. Collection method: clinical testing. Allele origin: germline. Observed: 2 variant alleles, 2 heterozygotes.

Illumina Laboratory Services, Illumina
Classification: Uncertain significance for Usher syndrome type 2C. Last evaluated: 2017-04-28. Review status: criteria provided, single submitter. Criteria: ICSL Variant Classification Criteria 13 December 2019. Collection method: clinical testing. Allele origin: germline.
Comment: This variant was observed as part of a predisposition screen in an ostensibly healthy population. A literature search was performed for the gene, cDNA change, and amino acid change (where applicable). Publications were found based on this search. However, the evidence from the literature, in combination with allele frequency data from public databases where available, was not sufficient to rule this variant in or out of causing disease. Therefore, this variant is classified as a variant of unknown significance.

CeGaT Center for Human Genetics Tuebingen
Classification: Uncertain significance. Last evaluated: 2017-04-01. Review status: criteria provided, single submitter. Criteria: CeGaT Center For Human Genetics Tuebingen Variant Classification Criteria Version 2. Collection method: clinical testing. Allele origin: germline. Affected: yes. Observed: 1 variant allele.

Institute of Human Genetics, University Hospital of Duesseldorf
Classification: Uncertain significance for Febrile seizures, familial, 4. Review status: criteria provided, single submitter. Criteria: ACMG Guidelines, 2015. Collection method: not provided. Allele origin: germline. Inheritance: Autosomal dominant inheritance. Affected: yes.

Sharon lab, Hadassah-Hebrew University Medical Center
Classification: Likely pathogenic for Usher syndrome type 2. Last evaluated: 2019-06-23. Review status: no assertion criteria provided. Collection method: research. Allele origin: inherited. Affected: yes. Not counted in ClinVar's aggregate classification.

Clinical Genetics DNA and cytogenetics Diagnostics Lab, Erasmus MC, Erasmus Medical Center
Classification: Uncertain significance. Review status: no assertion criteria provided. Collection method: clinical testing. Allele origin: germline. Affected: yes. Study: VKGL Data-share Consensus. Not counted in ClinVar's aggregate classification.

Joint Genome Diagnostic Labs from Nijmegen and Maastricht, Radboudumc and MUMC+
Classification: Uncertain significance. Review status: no assertion criteria provided. Collection method: clinical testing. Allele origin: germline. Affected: yes. Study: VKGL Data-share Consensus. Not counted in ClinVar's aggregate classification.

Paris Brain Institute, Inserm - ICM
Classification: Likely pathogenic for Idiopathic generalized epilepsy. Review status: no assertion criteria provided. Collection method: research. Allele origin: germline. Inheritance: Oligogenic inheritance. Affected: yes. Observed: 3 variant alleles, 3 heterozygotes. Not counted in ClinVar's aggregate classification.

Literature cited by the submitters: PubMed 31456290 (cited by Women's Health and Genetics/Laboratory Corporation of America, LabCorp); PubMed 24123792 (cited by 3 submitters); PubMed 35813073 (cited by Women's Health and Genetics/Laboratory Corporation of America, LabCorp); PubMed 34744978 (cited by Women's Health and Genetics/Laboratory Corporation of America, LabCorp); PubMed 30245029 (cited by Laboratory for Molecular Medicine, Mass General Brigham Personalized Medicine).